The following is an entry in ClinVar:

NM_000352.6(ABCC8):c.1886C>T (p.Pro629Leu)

Gene: ABCC8 (ATP binding cassette subfamily C member 8; minus strand). Cytogenetic location: 11p15.1.
Variant type: single nucleotide variant.
Coding change: c.1886C>T on transcript NM_000352.6 (MANE Select); coding-DNA position 1886, C replaced by T.
Protein change: p.Pro629Leu; replaces proline 629 with leucine.
Molecular consequence: missense variant. On other transcripts: non-coding transcript variant (1).
Genome position (GRCh38, 1-based): chr11:17,428,602, G>A on the plus strand (C>T on the coding strand, the complement: ABCC8 is on the minus strand). VCF-style: chr11-17428602-G-A. GRCh37 (hg19) VCF-style: chr11-17450149-G-A.
Other names: c.1886C>T, p.Pro629Leu (NM_001287174.3, NM_001351295.2); c.1883C>T, p.Pro628Leu (NM_001351296.2, NM_001351297.2); short protein forms P628L, P629L.
Identifiers: ClinVar variation 1321362 (VCV001321362.2), dbSNP rs375862506, ClinGen allele CA5903403.

ClinVar aggregate classification (germline): Uncertain significance. Review status: criteria provided, multiple submitters, no conflicts (2 of 4 stars). 2 submissions from 2 submitters: Uncertain significance (2). Last evaluated 2025-09-17.

Allele frequency attached by ClinVar (database versions not stated): ExAC 0.00002; gnomAD 0.00002; gnomAD exomes 0.00002 and 0.00004; TOPMed 0.00002; ESP Exome Variant Server 0.00008.
gnomAD v4.1: 58 of 1,613,972 alleles (0.0036%); highest among the groups gnomAD compares: Non-Finnish European, 0.0048%; no homozygotes.

Submissions (2):

Labcorp Genetics (formerly Invitae), Labcorp
Classification: Uncertain significance. Last evaluated: 2025-09-17. Review status: criteria provided, single submitter. Criteria: Invitae Variant Classification Sherloc (09022015). Collection method: clinical testing. Allele origin: germline.
Comment: This sequence change replaces proline, which is neutral and non-polar, with leucine, which is neutral and non-polar, at codon 629 of the ABCC8 protein (p.Pro629Leu). This variant is present in population databases (rs375862506, gnomAD 0.007%). This variant has not been reported in the literature in individuals affected with ABCC8-related conditions. ClinVar contains an entry for this variant (Variation ID: 1321362). Invitae Evidence Modeling of protein sequence and biophysical properties (such as structural, functional, and spatial information, amino acid conservation, physicochemical variation, residue mobility, and thermodynamic stability) indicates that this missense variant is not expected to disrupt ABCC8 protein function with a negative predictive value of 95%. In summary, the available evidence is currently insufficient to determine the role of this variant in disease. Therefore, it has been classified as a Variant of Uncertain Significance.

Women's Health and Genetics/Laboratory Corporation of America, LabCorp
Classification: Uncertain significance. Last evaluated: 2021-10-11. Review status: criteria provided, single submitter. Criteria: LabCorp Variant Classification Summary - May 2015. Collection method: clinical testing. Allele origin: germline.
Comment: Variant summary: ABCC8 c.1886C>T (p.Pro629Leu) results in a non-conservative amino acid change in the encoded protein sequence. Three of five in-silico tools predict a benign effect of the variant on protein function. The variant allele was found at a frequency of 2e-05 in 251176 control chromosomes. The available data on variant occurrences in the general population are insufficient to allow any conclusion about variant significance. To our knowledge, no occurrence of c.1886C>T in individuals affected with Familial Hyperinsulinism and no experimental evidence demonstrating its impact on protein function have been reported. No clinical diagnostic laboratories have submitted clinical-significance assessments for this variant to ClinVar after 2014. Based on the evidence outlined above, the variant was classified as uncertain significance.